The following is an entry in ClinVar:

NM_018993.4(RIN2):c.658C>G (p.Pro220Ala)

Gene: RIN2 (Ras and Rab interactor 2; plus strand). Cytogenetic location: 20p11.23.
Variant type: single nucleotide variant.
Coding change: c.658C>G on transcript NM_018993.4 (MANE Select); coding-DNA position 658, C replaced by G.
Protein change: p.Pro220Ala; replaces proline 220 with alanine.
Molecular consequence: missense variant.
Genome position (GRCh38, 1-based): chr20:19,974,683, C>G. VCF-style: chr20-19974683-C-G. GRCh37 (hg19) VCF-style: chr20-19955327-C-G.
Other names: c.805C>G, p.Pro269Ala (NM_001242581.2); c.40C>G, p.Pro14Ala (NM_001378238.1); short protein forms P14A, P220A, P269A.
Identifiers: ClinVar variation 1950261 (VCV001950261.3), dbSNP rs780665287, ClinGen allele CA9779901.
Genomic context (GRCh38, chr20:19,974,683, plus strand): 5'-CATTCTTGTGTTCACTGATAATGACTTTCAGATTTCTGGAGCTCCCCAGCTGACAGCAAA[C>G]CCCCGAACCTTCCACCTCCCCATAGGCCTCTTTCCTCCGACGGTGTCTGTCCTGCCTCCC-3'
Protein context (NP_061866.1, residues 210-230): NFWSSPADSK[Pro220Ala]PNLPPPHRPL

ClinVar aggregate classification (germline): Uncertain significance (1 of 4 stars; one submission).

Allele frequency attached by ClinVar (database versions not stated): gnomAD 0.00001; TOPMed 0.00002.
gnomAD v4.1: 32 of 1,613,542 alleles (0.002%); highest among the groups gnomAD compares: South Asian, 0.011%; no homozygotes.

Submission:

Labcorp Genetics (formerly Invitae), Labcorp
Classification: Uncertain significance. Last evaluated: 2022-05-14. Review status: criteria provided, single submitter. Criteria: Invitae Variant Classification Sherloc (09022015). Collection method: clinical testing. Allele origin: germline.
Comment: In summary, the available evidence is currently insufficient to determine the role of this variant in disease. Therefore, it has been classified as a Variant of Uncertain Significance. Algorithms developed to predict the effect of sequence changes on RNA splicing suggest that this variant may disrupt the consensus splice site. Algorithms developed to predict the effect of missense changes on protein structure and function are either unavailable or do not agree on the potential impact of this missense change (SIFT: "Tolerated"; PolyPhen-2: "Not Available"; Align-GVGD: "Class C0"). This variant has not been reported in the literature in individuals affected with RIN2-related conditions. This variant is present in population databases (rs780665287, gnomAD 0.02%). This sequence change replaces proline, which is neutral and non-polar, with alanine, which is neutral and non-polar, at codon 220 of the RIN2 protein (p.Pro220Ala).